The following is an entry in ClinVar:

NM_001966.4(EHHADH):c.778T>C (p.Leu260=)

Gene: EHHADH (enoyl-CoA hydratase and 3-hydroxyacyl CoA dehydrogenase; minus strand). Cytogenetic location: 3q27.2.
Variant type: single nucleotide variant.
Coding change: c.778T>C on transcript NM_001966.4 (MANE Select); coding-DNA position 778, T replaced by C.
Protein change: p.Leu260=; no amino-acid change (leucine 260 retained).
Molecular consequence: synonymous variant.
Genome position (GRCh38, 1-based): chr3:185,204,548, A>G on the plus strand (T>C on the coding strand, the complement: EHHADH is on the minus strand). VCF-style: chr3-185204548-A-G. GRCh37 (hg19) VCF-style: chr3-184922336-A-G.
Other names: c.490T>C, p.Leu164= (NM_001166415.2).
Identifiers: ClinVar variation 3046582 (VCV003046582.2), dbSNP rs146062368, ClinGen allele CA2739131.

ClinVar aggregate classification (germline): Likely benign (0 of 4 stars; one submission).

Conditions:
EHHADH-related disorder. Also called: EHHADH-related condition.

Allele frequency attached by ClinVar (database versions not stated): gnomAD 0.00001; ExAC 0.00005; gnomAD exomes 0.00005; ESP Exome Variant Server 0.00008.
gnomAD v4.1: 79 of 1,614,070 alleles (0.0049%); highest among the groups gnomAD compares: Admixed American, 0.0067%; no homozygotes.

Submission:

PreventionGenetics, part of Exact Sciences
Classification: Likely benign for EHHADH-related condition. Last evaluated: 2019-03-22. Review status: no assertion criteria provided. Collection method: clinical testing. Allele origin: germline.
Comment: This variant is classified as likely benign based on ACMG/AMP sequence variant interpretation guidelines (Richards et al. 2015 PMID: 25741868, with internal and published modifications).